The following is an entry in ClinVar:

ClinVar aggregate classification (germline): Uncertain significance (1 of 4 stars; one submission).

Conditions:
Inborn genetic diseases. Identifiers: MedGen C0950123, MeSH D030342.

Submission:

Ambry Genetics
Classification: Uncertain significance for Inborn genetic diseases. Last evaluated: 2026-05-27. Review status: criteria provided, single submitter. Criteria: Ambry Variant Classification Scheme 2023. Collection method: clinical testing. Allele origin: germline.
Comment: The p.A434S variant (also known as c.1300G>T), located in coding exon 5 of the GATA2 gene, results from a G to T substitution at nucleotide position 1300. The alanine at codon 434 is replaced by serine, an amino acid with similar properties. This amino acid position is conserved. In addition, the in silico prediction for this alteration is inconclusive. Based on the available evidence, the clinical significance of this variant remains unclear.

NM_032638.5(GATA2):c.1300G>T (p.Ala434Ser)

Gene: GATA2 (GATA binding protein 2; minus strand). Cytogenetic location: 3q21.3.
Variant type: single nucleotide variant.
Coding change: c.1300G>T on transcript NM_032638.5 (MANE Select); coding-DNA position 1300, G replaced by T.
Protein change: p.Ala434Ser; replaces alanine 434 with serine.
Molecular consequence: missense variant.
Genome position (GRCh38, 1-based): chr3:128,481,162, C>A on the plus strand (G>T on the coding strand, the complement: GATA2 is on the minus strand). VCF-style: chr3-128481162-C-A. GRCh37 (hg19) VCF-style: chr3-128200005-C-A.
Other names: c.1300G>T, p.Ala434Ser (NM_001145661.2); c.1258G>T, p.Ala420Ser (NM_001145662.1); short protein forms A420S, A434S.
Identifiers: ClinVar variation 4857878 (VCV004857878.1).
Genomic context (GRCh38, chr3:128,481,162, plus strand): 5'-GCAGGATGTGTCCGGAGTGGCTGAAGGGCGGGAGGTGGCCCACAGGTGCCATGTGTCCAG[C>A]CAGGGCAGCTGCACTGAAGGGGGATGACTTCTCCTGCATGCACTTTGACAGCTCCTCGAA-3'
Protein context (NP_116027.2, residues 424-444): KSSPFSAAAL[Ala434Ser]GHMAPVGHLP